The following is an entry in ClinVar:

NM_033380.3(COL4A5):c.4360G>A (p.Gly1454Ser)

Gene: COL4A5 (collagen type IV alpha 5 chain; plus strand). Cytogenetic location: Xq22.3.
Variant type: single nucleotide variant.
Coding change: c.4360G>A on transcript NM_033380.3 (MANE Select); coding-DNA position 4360, G replaced by A.
Protein change: p.Gly1454Ser; replaces glycine 1454 with serine.
Molecular consequence: missense variant.
Genome position (GRCh38, 1-based): chrX:108,687,526, G>A. VCF-style: chrX-108687526-G-A. GRCh37 (hg19) VCF-style: chrX-107930756-G-A.
Other names: c.4342G>A, p.Gly1448Ser (NM_000495.5); short protein forms G1448S, G1454S.
Identifiers: ClinVar variation 1459581 (VCV001459581.7), dbSNP rs104886279, ClinGen allele CA259040.

ClinVar aggregate classification (germline): Pathogenic/Likely pathogenic. Review status: criteria provided, multiple submitters, no conflicts (2 of 4 stars). 2 submissions from 2 submitters: Pathogenic (1); Likely pathogenic (1). Last evaluated 2022-07-01.

Conditions:
X-linked Alport syndrome (ATS1). Also called: NEPHROPATHY AND DEAFNESS, X-LINKED; COL4A5-Related Nephropathy. Identifiers: Orphanet 63, Orphanet 88917, MedGen C4746986, MONDO:0010520, OMIM 301050.

Submissions (2):

Labcorp Genetics (formerly Invitae), Labcorp
Classification: Pathogenic. Last evaluated: 2022-07-01. Review status: criteria provided, single submitter. Criteria: Invitae Variant Classification Sherloc (09022015). Collection method: clinical testing. Allele origin: germline.
Comment: ClinVar contains an entry for this variant (Variation ID: 1459581). For these reasons, this variant has been classified as Pathogenic. This variant disrupts the triple helix domain of COL4A5. Glycine residues within the Gly-Xaa-Yaa repeats of the triple helix domain are required for the structure and stability of fibrillar collagens (PMID: 7695699, 8218237, 19344236). In COL4A5, missense variants at these glycine residues are significantly enriched in individuals with disease (PMID: 23720012, 27627812) compared to the general population (ExAC). Advanced modeling of protein sequence and biophysical properties (such as structural, functional, and spatial information, amino acid conservation, physicochemical variation, residue mobility, and thermodynamic stability) performed at Invitae indicates that this missense variant is expected to disrupt COL4A5 protein function. This variant is also known as g.4544G >A. This missense change has been observed in individuals with clinical features of COL4A5-related conditions (PMID: 15780079; Invitae). This variant is not present in population databases (gnomAD no frequency). This sequence change replaces glycine, which is neutral and non-polar, with serine, which is neutral and polar, at codon 1448 of the COL4A5 protein (p.Gly1448Ser).

Fulgent Genetics
Classification: Likely pathogenic for X-linked Alport syndrome. Last evaluated: 2022-03-23. Review status: criteria provided, single submitter. Criteria: ACMG Guidelines, 2015. Collection method: clinical testing. Allele origin: unknown.

Literature cited by the submitters: PubMed 7695699 (cited by Labcorp Genetics (formerly Invitae), Labcorp); PubMed 8218237 (cited by Labcorp Genetics (formerly Invitae), Labcorp); PubMed 19344236 (cited by Labcorp Genetics (formerly Invitae), Labcorp); PubMed 23720012 (cited by Labcorp Genetics (formerly Invitae), Labcorp); PubMed 27627812 (cited by Labcorp Genetics (formerly Invitae), Labcorp); PubMed 15780079 (cited by Labcorp Genetics (formerly Invitae), Labcorp).